The following is an entry in ClinVar:

ClinVar aggregate classification (germline): Likely benign. Review status: criteria provided, multiple submitters, no conflicts (2 of 4 stars). 3 submissions from 3 submitters: Likely benign (3). Last evaluated 2023-11-07.

Conditions:
Pyridoxine-dependent epilepsy (EPEO4). Also called: Pyridoxine-Dependent Seizures; Pyridoxine-Dependent Epilepsy - ALDH7A1; PYRIDOXINE DEPENDENCY WITH SEIZURES; EPILEPSY, EARLY-ONSET, 4, VITAMIN B6-DEPENDENT. Identifiers: Orphanet 3006, MedGen C1849508, MONDO:0009945, OMIM 266100. Disease mechanism: loss of function.

Allele frequency attached by ClinVar (database versions not stated): TOPMed 0.00002; gnomAD exomes 0.00003.
gnomAD v4.1: 26 of 1,608,998 alleles (0.0016%); highest among the groups gnomAD compares: Non-Finnish European, 0.0021%; no homozygotes.

Submissions (3):

Labcorp Genetics (formerly Invitae), Labcorp
Classification: Likely benign for Pyridoxine-dependent epilepsy. Last evaluated: 2023-11-07. Review status: criteria provided, single submitter. Criteria: Invitae Variant Classification Sherloc (09022015). Collection method: clinical testing. Allele origin: germline.

Blueprint Genetics
Classification: Likely benign. Last evaluated: 2022-03-31. Review status: criteria provided, single submitter. Criteria: ACMG Guidelines, 2015. Collection method: clinical testing. Allele origin: germline.

GeneDx
Classification: Likely benign. Last evaluated: 2015-10-21. Review status: criteria provided, single submitter. Criteria: GeneDx Variant Classification (06012015). Collection method: clinical testing. Allele origin: germline. Affected: yes.
Comment: This variant is considered likely benign or benign based on one or more of the following criteria: it is a conservative change, it occurs at a poorly conserved position in the protein, it is predicted to be benign by multiple in silico algorithms, and/or has population frequency not consistent with disease.

NM_001182.5(ALDH7A1):c.133C>T (p.Leu45=)

Gene: ALDH7A1 (aldehyde dehydrogenase 7 family member A1; minus strand). Cytogenetic location: 5q23.2.
Variant type: single nucleotide variant.
Coding change: c.133C>T on transcript NM_001182.5 (MANE Select); coding-DNA position 133, C replaced by T.
Protein change: p.Leu45=; no amino-acid change (leucine 45 retained).
Molecular consequence: synonymous variant.
Genome position (GRCh38, 1-based): chr5:126,595,066, G>A on the plus strand (C>T on the coding strand, the complement: ALDH7A1 is on the minus strand). VCF-style: chr5-126595066-G-A. GRCh37 (hg19) VCF-style: chr5-125930758-G-A.
Other names: c.49C>T, p.Leu17= (NM_001201377.2); c.133C>T, p.Leu45= (NM_001202404.2).
Identifiers: ClinVar variation 381056 (VCV000381056.5), dbSNP rs757162735, ClinGen allele CA3389917.